The following is an entry in ClinVar:

NM_004638.4(PRRC2A):c.4720-6C>G

Gene: PRRC2A (proline rich coiled-coil 2A; plus strand). Cytogenetic location: 6p21.33.
Variant type: single nucleotide variant.
Coding change: c.4720-6C>G on transcript NM_004638.4 (MANE Select); 6 bases into the intron before coding-DNA position 4720, C replaced by G.
Molecular consequence: intron variant.
Genome position (GRCh38, 1-based): chr6:31,634,230, C>G. VCF-style: chr6-31634230-C-G. GRCh37 (hg19) VCF-style: chr6-31602007-C-G.
Other names: c.4720-6C>G (NM_080686.3).
Identifiers: ClinVar variation 3052097 (VCV003052097.2), dbSNP rs755591702, ClinGen allele CA3716327.

ClinVar aggregate classification (germline): Likely benign (0 of 4 stars; one submission).

Conditions:
PRRC2A-related disorder. Also called: PRRC2A-related condition.

Allele frequency attached by ClinVar (database versions not stated): TOPMed 0.00002; ExAC 0.00005.

Submission:

PreventionGenetics, part of Exact Sciences
Classification: Likely benign for PRRC2A-related condition. Last evaluated: 2019-03-18. Review status: no assertion criteria provided. Collection method: clinical testing. Allele origin: germline.
Comment: This variant is classified as likely benign based on ACMG/AMP sequence variant interpretation guidelines (Richards et al. 2015 PMID: 25741868, with internal and published modifications).